The following is an entry in ClinVar:

NM_000053.4(ATP7B):c.1153G>C (p.Glu385Gln)

Gene: ATP7B (ATPase copper transporting beta; minus strand). Cytogenetic location: 13q14.3.
Variant type: single nucleotide variant.
Coding change: c.1153G>C on transcript NM_000053.4 (MANE Select); coding-DNA position 1153, G replaced by C.
Protein change: p.Glu385Gln; replaces glutamic acid 385 with glutamine.
Molecular consequence: missense variant.
Genome position (GRCh38, 1-based): chr13:51,974,067, C>G on the plus strand (G>C on the coding strand, the complement: ATP7B is on the minus strand). VCF-style: chr13-51974067-C-G. GRCh37 (hg19) VCF-style: chr13-52548203-C-G.
Other names: c.1153G>C, p.Glu385Gln (NM_001005918.3, NM_001330578.2, NM_001330579.2); c.820G>C, p.Glu274Gln (NM_001243182.2); short protein forms E385Q, E274Q.
Identifiers: ClinVar variation 1467615 (VCV001467615.5), dbSNP rs772069735, ClinGen allele CA388038688.

ClinVar aggregate classification (germline): Uncertain significance (1 of 4 stars; one submission).

Conditions:
Wilson disease (WND). Also called: Wilson's disease. Identifiers: Orphanet 905, MedGen C0019202, MONDO:0010200, OMIM 277900. Disease mechanism: loss of function.

Allele frequency attached by ClinVar (database versions not stated): TOPMed below 0.00001.
gnomAD v4.1: 1 of 1,614,210 alleles (0.000062%); highest among the groups gnomAD compares: Non-Finnish European, 0.000085%; no homozygotes.

Submission:

Labcorp Genetics (formerly Invitae), Labcorp
Classification: Uncertain significance for Wilson disease. Last evaluated: 2021-12-15. Review status: criteria provided, single submitter. Criteria: Invitae Variant Classification Sherloc (09022015). Collection method: clinical testing. Allele origin: germline.
Comment: This variant has not been reported in the literature in individuals affected with ATP7B-related conditions. This variant is not present in population databases (gnomAD no frequency). This sequence change replaces glutamic acid, which is acidic and polar, with glutamine, which is neutral and polar, at codon 385 of the ATP7B protein (p.Glu385Gln). Advanced modeling of protein sequence and biophysical properties (such as structural, functional, and spatial information, amino acid conservation, physicochemical variation, residue mobility, and thermodynamic stability) performed at Invitae indicates that this missense variant is not expected to disrupt ATP7B protein function. In summary, the available evidence is currently insufficient to determine the role of this variant in disease. Therefore, it has been classified as a Variant of Uncertain Significance.